The following is an entry in ClinVar:

ClinVar aggregate classification (germline): Pathogenic (1 of 4 stars; one submission).

Conditions:
Neurofibromatosis, type 1 (NF1). Also called: Neurofibromatosis, type I; NEUROFIBROMATOSIS, TYPE I, SOMATIC; Peripheral type neurofibromatosis; VON RECKLINGHAUSEN DISEASE. Identifiers: Orphanet 636, MedGen C0027831, MONDO:0018975, OMIM 162200. Disease mechanism: loss of function.

Submission:

Labcorp Genetics (formerly Invitae), Labcorp
Classification: Pathogenic for Neurofibromatosis, type 1. Last evaluated: 2023-06-28. Review status: criteria provided, single submitter. Criteria: Invitae Variant Classification Sherloc (09022015). Collection method: clinical testing. Allele origin: germline.
Comment: For these reasons, this variant has been classified as Pathogenic. This variant has not been reported in the literature in individuals affected with NF1-related conditions. This variant is not present in population databases (gnomAD no frequency). This sequence change creates a premature translational stop signal (p.Val2606Glufs*17) in the NF1 gene. It is expected to result in an absent or disrupted protein product. Loss-of-function variants in NF1 are known to be pathogenic (PMID: 10712197, 23913538).

Literature cited by the submitters: PubMed 10712197; PubMed 23913538.

NM_001042492.3(NF1):c.7880del (p.Val2627fs)

Gene: NF1 (neurofibromin 1; plus strand). Cytogenetic location: 17q11.2.
Variant type: Deletion.
Coding change: c.7880del on transcript NM_001042492.3 (MANE Select); coding-DNA position 7880, one base deleted (T; older notation c.7880delT).
Protein change: p.Val2627fs; shifts the reading frame from valine 2627.
Molecular consequence: frameshift variant.
Genome position (GRCh38, 1-based): chr17:31,357,279, T deleted. VCF-style (leftmost placement, unchanged base first): chr17-31357278-GT-G. GRCh37 (hg19) VCF-style: chr17-29684296-GT-G.
Other names: c.7817delT, p.Val2606Glufs (NM_000267.4); short protein forms V2627fs, V2606fs.
Identifiers: ClinVar variation 2731666 (VCV002731666.3), dbSNP rs2508829794, ClinGen allele CA2697559592.